The following is an entry in ClinVar:

ClinVar aggregate classification (germline): Uncertain significance. Review status: criteria provided, multiple submitters, no conflicts (2 of 4 stars). 2 submissions from 2 submitters: Uncertain significance (2). Last evaluated 2025-08-26.

Conditions:
Dystonic disorder. Also called: Dystonia. Identifiers: MedGen C0013421, MONDO:0003441, HP:0001332.

Allele frequency attached by ClinVar (database versions not stated): gnomAD exomes below 0.00001.
gnomAD v4.1: 4 of 1,614,128 alleles (0.00025%); highest among the groups gnomAD compares: South Asian, 0.0011%; no homozygotes.

Submissions (2):

Ambry Genetics
Classification: Uncertain significance. Last evaluated: 2025-08-26. Review status: criteria provided, single submitter. Criteria: Ambry Variant Classification Scheme 2023. Collection method: clinical testing. Allele origin: germline.

Labcorp Genetics (formerly Invitae), Labcorp
Classification: Uncertain significance for Dystonic disorder. Last evaluated: 2022-09-19. Review status: criteria provided, single submitter. Criteria: Invitae Variant Classification Sherloc (09022015). Collection method: clinical testing. Allele origin: germline.
Comment: This variant is not present in population databases (gnomAD no frequency). This sequence change replaces alanine, which is neutral and non-polar, with serine, which is neutral and polar, at codon 523 of the CIZ1 protein (p.Ala523Ser). This variant has not been reported in the literature in individuals affected with CIZ1-related conditions. Algorithms developed to predict the effect of missense changes on protein structure and function (SIFT, PolyPhen-2, Align-GVGD) all suggest that this variant is likely to be tolerated. In summary, the available evidence is currently insufficient to determine the role of this variant in disease. Therefore, it has been classified as a Variant of Uncertain Significance.

NM_001131016.2(CIZ1):c.1567G>T (p.Ala523Ser)

Gene: CIZ1 (CDKN1A interacting zinc finger protein 1; minus strand). Cytogenetic location: 9q34.11.
Variant type: single nucleotide variant.
Coding change: c.1567G>T on transcript NM_001131016.2 (MANE Select); coding-DNA position 1567, G replaced by T.
Protein change: p.Ala523Ser; replaces alanine 523 with serine.
Molecular consequence: missense variant.
Genome position (GRCh38, 1-based): chr9:128,178,422, C>A on the plus strand (G>T on the coding strand, the complement: CIZ1 is on the minus strand). VCF-style: chr9-128178422-C-A. GRCh37 (hg19) VCF-style: chr9-130940701-C-A.
Other names: c.1567G>T (NM_012127.2); c.1399G>T, p.Ala467Ser (NM_001131015.2); c.1384G>T, p.Ala462Ser (NM_001131017.2); c.1327G>T, p.Ala443Ser (NM_001131018.2); c.1657G>T, p.Ala553Ser (NM_001257975.2); c.1264G>T, p.Ala422Ser (NM_001257976.2); c.1567G>T, p.Ala523Ser (NM_012127.3); short protein forms A523S, A422S, A443S, A462S, A467S, A553S.
Identifiers: ClinVar variation 2060980 (VCV002060980.5), dbSNP rs2538802915, ClinGen allele CA375025060.